The following is an entry in ClinVar:

NM_001170535.3(ATAD3A):c.733G>A (p.Asp245Asn)

Gene: ATAD3A (ATPase family AAA domain containing 3A; plus strand). Cytogenetic location: 1p36.33.
Variant type: single nucleotide variant.
Coding change: c.733G>A on transcript NM_001170535.3 (MANE Select); coding-DNA position 733, G replaced by A.
Protein change: p.Asp245Asn; replaces aspartic acid 245 with asparagine.
Molecular consequence: missense variant.
Genome position (GRCh38, 1-based): chr1:1,520,600, G>A. VCF-style: chr1-1520600-G-A. GRCh37 (hg19) VCF-style: chr1-1455980-G-A.
Other names: c.496G>A, p.Asp166Asn (NM_001170536.3); c.877G>A, p.Asp293Asn (NM_018188.5); short protein forms D166N, D245N, D293N.
Identifiers: ClinVar variation 4852661 (VCV004852661.2).

ClinVar aggregate classification (germline): Uncertain significance (1 of 4 stars; one submission).

Submission:

Dasa
Classification: Uncertain significance. Last evaluated: 2025-02-27. Review status: criteria provided, single submitter. Criteria: DASA Assertion Criteria. Collection method: clinical testing. Allele origin: germline.
Comment: NM_001170535.3(ATAD3A):c.733G>A (p.Asp245Asn) is a missense variant that results in the substitution of aspartic acid with asparagine. This variant is rare in population databases. Computational prediction algorithms are consistent with a benign effect. The currently available literature and clinical evidence are not sufficient to establish a definitive association between this variant and the reported condition. Therefore, this variant is classified as a variant of uncertain significance.